The following is an entry in ClinVar:

NM_000117.3(EMD):c.662_663insT (p.Gln222fs)

Gene: EMD (emerin; plus strand). Cytogenetic location: Xq28.
Variant type: Insertion.
Coding change: c.662_663insT on transcript NM_000117.3 (MANE Select); coding-DNA positions 662 to 663, T inserted.
Protein change: p.Gln222fs; shifts the reading frame from glutamine 222.
Molecular consequence: frameshift variant.
Genome position: GRCh38 VCF-style: chrX-154381094-G-GT. GRCh37 (hg19) VCF-style: chrX-153609454-G-GT.
Other names: short protein forms Q222fs.
Identifiers: ClinVar variation 3069158 (VCV003069158.1), dbSNP rs2522790651, ClinGen allele CA2825002929.

ClinVar aggregate classification (germline): Likely pathogenic (1 of 4 stars; one submission).

Conditions:
Emery-Dreifuss muscular dystrophy 1, X-linked (EDMD1). Also called: Muscular dystrophy, tardive, Dreifuss-Emery type, with contractures; SCAPULOPERONEAL SYNDROME, X-LINKED; HUMEROPERONEAL NEUROMUSCULAR DISEASE; EMD-Related Emery-Dreifuss Muscular Dystrophy, X-Linked. Identifiers: MedGen CN375556, MONDO:0100531, OMIM 310300.

Submission:

Illumina Laboratory Services, Illumina
Classification: Likely pathogenic for Emery-Dreifuss muscular dystrophy 1, X-linked. Last evaluated: 2022-05-11. Review status: criteria provided, single submitter. Criteria: ICSLVariantClassificationCriteria RUGD 01 April 2020. Collection method: clinical testing. Allele origin: unknown.
Comment: The EMD c.662_663insT p.(Gln222ProfsTer28) variant causes a shift in the protein reading frame that is predicted to result in premature termination of the protein. This variant occurs in the last exon of the gene and the resulting transcript may escape nonsense-mediated mRNA decay. To our knowledge, this variant has not been reported in the peer-reviewed literature. This variant is not found in version 2.1.1 or version 3.1.2 of the Genome Aggregation Database. Based on the available evidence, the c.662_663insT p.(Gln222ProfsTer28) variant is classified as likely pathogenic for Emery-Dreifuss muscular dystrophy.